The following is an entry in ClinVar:

NM_153046.3(TDRD9):c.1953G>A (p.Val651=)

Gene: TDRD9 (tudor domain containing 9; plus strand). Cytogenetic location: 14q32.33.
Variant type: single nucleotide variant.
Coding change: c.1953G>A on transcript NM_153046.3 (MANE Select); coding-DNA position 1953, G replaced by A.
Protein change: p.Val651=; no amino-acid change (valine 651 retained).
Molecular consequence: synonymous variant.
Genome position (GRCh38, 1-based): chr14:104,006,791, G>A. VCF-style: chr14-104006791-G-A. GRCh37 (hg19) VCF-style: chr14-104473128-G-A.
Identifiers: ClinVar variation 713999 (VCV000713999.29), dbSNP rs35030451, ClinGen allele CA7368689.

ClinVar aggregate classification (germline): Benign/Likely benign. Review status: criteria provided, multiple submitters, no conflicts (2 of 4 stars). 3 submissions from 3 submitters: Benign (2); Likely benign (1). Last evaluated 2025-09-01.

Allele frequency attached by ClinVar (database versions not stated): 1000 Genomes Project 0.00459; 1000 Genomes Project 30x 0.00500; TOPMed 0.00530; gnomAD 0.00552 and 0.00564; gnomAD exomes 0.00597; ESP Exome Variant Server 0.00669; ExAC 0.00690.
gnomAD v4.1: 11,568 of 1,613,496 alleles (0.72%); highest among the groups gnomAD compares: Non-Finnish European, 0.85%; 53 homozygotes.

Submissions (3):

CeGaT Center for Human Genetics Tuebingen
Classification: Likely benign. Last evaluated: 2025-09-01. Review status: criteria provided, single submitter. Criteria: CeGaT Center For Human Genetics Tuebingen Variant Classification Criteria Version 2. Collection method: clinical testing. Allele origin: germline. Affected: yes. Observed: 3 variant alleles.
Comment: TDRD9: BS2

Labcorp Genetics (formerly Invitae), Labcorp
Classification: Benign. Last evaluated: 2019-12-31. Review status: criteria provided, single submitter. Criteria: Invitae Variant Classification Sherloc (09022015). Collection method: clinical testing. Allele origin: germline.

Breakthrough Genomics
Classification: Benign. Review status: criteria provided, single submitter. Criteria: ACMG Guidelines, 2015. Collection method: not provided. Allele origin: germline. Inheritance: Autosomal recessive inheritance. Affected: yes.